The following is an entry in ClinVar:

NM_005502.4(ABCA1):c.3490G>A (p.Asp1164Asn)

Gene: ABCA1 (ATP binding cassette subfamily A member 1; minus strand). Cytogenetic location: 9q31.1.
Variant type: single nucleotide variant.
Coding change: c.3490G>A on transcript NM_005502.4 (MANE Select); coding-DNA position 3490, G replaced by A.
Protein change: p.Asp1164Asn; replaces aspartic acid 1164 with asparagine.
Molecular consequence: missense variant.
Genome position (GRCh38, 1-based): chr9:104,817,377, C>T on the plus strand (G>A on the coding strand, the complement: ABCA1 is on the minus strand). VCF-style: chr9-104817377-C-T. GRCh37 (hg19) VCF-style: chr9-107579658-C-T.
Other names: short protein forms D1164N.
Identifiers: ClinVar variation 3935515 (VCV003935515.1).

ClinVar aggregate classification (germline): Uncertain significance (1 of 4 stars; one submission).

Conditions:
Cardiovascular phenotype. Identifiers: MedGen CN230736.

Submission:

Ambry Genetics
Classification: Uncertain significance for Cardiovascular phenotype. Last evaluated: 2025-04-23. Review status: criteria provided, single submitter. Criteria: Ambry Variant Classification Scheme 2023. Collection method: clinical testing. Allele origin: germline.
Comment: The p.D1164N variant (also known as c.3490G>A), located in coding exon 23 of the ABCA1 gene, results from a G to A substitution at nucleotide position 3490. The aspartic acid at codon 1164 is replaced by asparagine, an amino acid with highly similar properties. This amino acid position is conserved. In addition, this alteration is predicted to be tolerated by in silico analysis. Based on the available evidence, the clinical significance of this variant remains unclear.